The following is an entry in ClinVar:

ClinVar aggregate classification (germline): Uncertain significance (1 of 4 stars; one submission).

Submission:

Labcorp Genetics (formerly Invitae), Labcorp
Classification: Uncertain significance. Last evaluated: 2022-02-23. Review status: criteria provided, single submitter. Criteria: Invitae Variant Classification Sherloc (09022015). Collection method: clinical testing. Allele origin: germline.
Comment: This sequence change replaces leucine, which is neutral and non-polar, with proline, which is neutral and non-polar, at codon 638 of the DHX38 protein (p.Leu638Pro). This variant is not present in population databases (gnomAD no frequency). This variant has not been reported in the literature in individuals affected with DHX38-related conditions. ClinVar contains an entry for this variant (Variation ID: 842897). Algorithms developed to predict the effect of missense changes on protein structure and function (SIFT, PolyPhen-2, Align-GVGD) all suggest that this variant is likely to be disruptive. In summary, the available evidence is currently insufficient to determine the role of this variant in disease. Therefore, it has been classified as a Variant of Uncertain Significance.

NM_014003.4(DHX38):c.1913T>C (p.Leu638Pro)

Gene: DHX38 (DEAH-box helicase 38; plus strand). Cytogenetic location: 16q22.2.
Variant type: single nucleotide variant.
Coding change: c.1913T>C on transcript NM_014003.4 (MANE Select); coding-DNA position 1913, T replaced by C.
Protein change: p.Leu638Pro; replaces leucine 638 with proline.
Molecular consequence: missense variant.
Genome position (GRCh38, 1-based): chr16:72,104,034, T>C. VCF-style: chr16-72104034-T-C. GRCh37 (hg19) VCF-style: chr16-72137933-T-C.
Other names: short protein forms L638P.
Identifiers: ClinVar variation 842897 (VCV000842897.7), dbSNP rs2042137385, ClinGen allele CA396709290.